The following is an entry in ClinVar:

ClinVar aggregate classification (germline): Uncertain significance (1 of 4 stars; one submission).

Conditions:
Duchenne muscular dystrophy (DMD). Also called: MUSCULAR DYSTROPHY, PSEUDOHYPERTROPHIC PROGRESSIVE, DUCHENNE TYPE; Duchenne Muscular Dystrophy (DMD). Identifiers: Orphanet 98896, MedGen C0013264, MONDO:0010679, OMIM 310200.

Allele frequency attached by ClinVar (database versions not stated): gnomAD exomes below 0.00001.
gnomAD v4.1: 2 of 1,210,879 alleles (0.00017%); highest among the groups gnomAD compares: East Asian, 0.003%; no homozygotes.

Submission:

Labcorp Genetics (formerly Invitae), Labcorp
Classification: Uncertain significance for Duchenne muscular dystrophy. Last evaluated: 2022-04-24. Review status: criteria provided, single submitter. Criteria: Invitae Variant Classification Sherloc (09022015). Collection method: clinical testing. Allele origin: germline.
Comment: In summary, the available evidence is currently insufficient to determine the role of this variant in disease. Therefore, it has been classified as a Variant of Uncertain Significance. Algorithms developed to predict the effect of missense changes on protein structure and function are either unavailable or do not agree on the potential impact of this missense change (SIFT: "Deleterious"; PolyPhen-2: "Probably Damaging"; Align-GVGD: "Class C15"). This variant has not been reported in the literature in individuals affected with DMD-related conditions. This variant is present in population databases (no rsID available, gnomAD 0.008%). This sequence change replaces glycine, which is neutral and non-polar, with aspartic acid, which is acidic and polar, at codon 3633 of the DMD protein (p.Gly3633Asp).

NM_004006.3(DMD):c.10898G>A (p.Gly3633Asp)

Gene: DMD (dystrophin; minus strand). Cytogenetic location: Xp21.2.
Variant type: single nucleotide variant.
Coding change: c.10898G>A on transcript NM_004006.3 (MANE Select); coding-DNA position 10898, G replaced by A.
Protein change: p.Gly3633Asp; replaces glycine 3633 with aspartic acid.
Molecular consequence: missense variant.
Genome position (GRCh38, 1-based): chrX:31,146,314, C>T on the plus strand (G>A on the coding strand, the complement: DMD is on the minus strand). VCF-style: chrX-31146314-C-T. GRCh37 (hg19) VCF-style: chrX-31164431-C-T.
Other names: c.10874G>A, p.Gly3625Asp (NM_000109.4); c.10886G>A, p.Gly3629Asp (NM_004009.3); c.10529G>A, p.Gly3510Asp (NM_004010.3); c.6875G>A, p.Gly2292Asp (NM_004011.4); c.6866G>A, p.Gly2289Asp (NM_004012.4); c.3518G>A, p.Gly1173Asp (NM_004013.3, NM_004021.3); c.2711G>A, p.Gly904Asp (NM_004014.3); c.1694G>A, p.Gly565Asp (NM_004015.3, NM_004016.3); and 3 more; short protein forms G2289D, G552D, G565D, G1160D, G2292D, G3510D, G3625D, G1173D.
Identifiers: ClinVar variation 1968049 (VCV001968049.5), dbSNP rs1418575445, ClinGen allele CA412648574.